The following is an entry in ClinVar:

ClinVar aggregate classification (germline): Likely pathogenic (1 of 4 stars; one submission).

Conditions:
Anemia, nonspherocytic hemolytic, due to G6PD deficiency (CNSHA1). Also called: Hemolytic anemia due to G6PD deficiency; Class I glucose-6-phosphate dehydrogenase deficiency; Favism, susceptibility to; ANEMIA, CONGENITAL, NONSPHEROCYTIC HEMOLYTIC, 1. Identifiers: Orphanet 466026, MedGen C2720289, MONDO:0010480, OMIM 300908.

Submission:

Dunham Lab, University of Washington
Classification: Likely pathogenic for Anemia, nonspherocytic hemolytic, due to G6PD deficiency. Last evaluated: 2022-08-12. Review status: criteria provided, single submitter. Criteria: Bayesian ACMG Guidelines, 2018. Collection method: curation. Allele origin: unknown. Affected: yes.
Comment: Decreased activity in red blood cells (28%) (PS3). Not found in gnomAD (PM2). Post_P 0.949 (odds of pathogenicity 168.4, Prior_P 0.1).

Literature cited by the submitters: PubMed 11594515.

NM_001360016.2(G6PD):c.826C>T (p.Pro276Ser)

Gene: G6PD (glucose-6-phosphate dehydrogenase; minus strand). Cytogenetic location: Xq28.
Variant type: single nucleotide variant.
Coding change: c.826C>T on transcript NM_001360016.2 (MANE Select); coding-DNA position 826, C replaced by T.
Protein change: p.Pro276Ser; replaces proline 276 with serine.
Molecular consequence: missense variant.
Genome position (GRCh38, 1-based): chrX:154,533,614, G>A on the plus strand (C>T on the coding strand, the complement: G6PD is on the minus strand). VCF-style: chrX-154533614-G-A. GRCh37 (hg19) VCF-style: chrX-153761829-G-A.
Other names: G6PD Sugao; c.916C>T, p.Pro306Ser (NM_000402.4); c.826C>T, p.Pro276Ser (NM_001042351.3); short protein forms P276S, P306S.
Identifiers: ClinVar variation 1722587 (VCV001722587.2), dbSNP rs2523265494, ClinGen allele CA415235198.